The following is an entry in ClinVar:

ClinVar aggregate classification (germline): Uncertain significance (1 of 4 stars; one submission).

Allele frequency attached by ClinVar (database versions not stated): gnomAD exomes below 0.00001; TOPMed below 0.00001.
gnomAD v4.1: 1 of 1,603,360 alleles (0.000062%); highest among the groups gnomAD compares: Admixed American, 0.0018%; no homozygotes.

Submission:

Labcorp Genetics (formerly Invitae), Labcorp
Classification: Uncertain significance. Last evaluated: 2025-01-27. Review status: criteria provided, single submitter. Criteria: Invitae Variant Classification Sherloc (09022015). Collection method: clinical testing. Allele origin: germline.
Comment: This sequence change replaces alanine, which is neutral and non-polar, with threonine, which is neutral and polar, at codon 871 of the KIAA0753 protein (p.Ala871Thr). This variant is present in population databases (no rsID available, gnomAD 0.003%). This variant has not been reported in the literature in individuals affected with KIAA0753-related conditions. ClinVar contains an entry for this variant (Variation ID: 1375484). An algorithm developed to predict the effect of missense changes on protein structure and function outputs the following: PolyPhen-2: "Benign". The threonine amino acid residue is found in multiple mammalian species, which suggests that this missense change does not adversely affect protein function. In summary, the available evidence is currently insufficient to determine the role of this variant in disease. Therefore, it has been classified as a Variant of Uncertain Significance.

NM_014804.3(KIAA0753):c.2611G>A (p.Ala871Thr)

Gene: KIAA0753 (KIAA0753; minus strand). Cytogenetic location: 17p13.1.
Variant type: single nucleotide variant.
Coding change: c.2611G>A on transcript NM_014804.3 (MANE Select); coding-DNA position 2611, G replaced by A.
Protein change: p.Ala871Thr; replaces alanine 871 with threonine.
Molecular consequence: missense variant. On other transcripts: non-coding transcript variant (3).
Genome position (GRCh38, 1-based): chr17:6,589,954, C>T on the plus strand (G>A on the coding strand, the complement: KIAA0753 is on the minus strand). VCF-style: chr17-6589954-C-T. GRCh37 (hg19) VCF-style: chr17-6493274-C-T.
Other names: c.1714G>A, p.Ala572Thr (NM_001351225.2); short protein forms A572T, A871T.
Identifiers: ClinVar variation 1375484 (VCV001375484.6), dbSNP rs1222979836, ClinGen allele CA397403807.